The following is an entry in ClinVar:

NC_000020.10:g.(?_61977556)_(62159505_?)dup

Genes: PPDPF (pancreatic progenitor cell differentiation and proliferation factor; plus strand), CHRNA4 (cholinergic receptor nicotinic alpha 4 subunit; minus strand), EEF1A2 (eukaryotic translation elongation factor 1 alpha 2; minus strand), KCNQ2 (potassium voltage-gated channel subfamily Q member 2; minus strand). Cytogenetic location: 20q13.33.
Variant type: Duplication.
Identifiers: ClinVar variation 831460 (VCV000831460.1).

ClinVar aggregate classification (germline): Uncertain significance (1 of 4 stars; one submission).

Conditions:
Familial sleep-related hypermotor epilepsy. Also called: Autosomal Dominant Sleep-Related Hypermotor (Hyperkinetic) Epilepsy. Identifiers: Orphanet 98784, MedGen C3696898, MONDO:0000030.

Submission:

Labcorp Genetics (formerly Invitae), Labcorp
Classification: Uncertain significance. Last evaluated: 2019-11-24. Review status: criteria provided, single submitter. Criteria: Invitae Variant Classification Sherloc (09022015). Collection method: clinical testing. Allele origin: germline.
Comment: This variant results in a copy number gain of the genomic region encompassing the full coding sequence of the CHRNA4 gene. The boundaries of this event are unknown as they extend beyond the assayed region for this gene and therefore may encompass additional genes. As the precise location of this event is unknown, it may be in tandem or it may be located elsewhere in the genome. Isolated whole-gene copy number gains of CHRNA4 have not been reported in the literature. However, larger copy number events that include this gene have been reported (PMID: 25921748). Experimental studies and prediction algorithms are not available for this variant, and the functional significance of the affected amino acid(s) is currently unknown. In summary, the available evidence is currently insufficient to determine the role of this variant in disease. Therefore, it has been classified as a Variant of Uncertain Significance.

Literature cited by the submitters: PubMed 25921748.